The following is an entry in ClinVar:

ClinVar aggregate classification (germline): Likely pathogenic. Review status: criteria provided, multiple submitters, no conflicts (2 of 4 stars). 2 submissions from 2 submitters: Likely pathogenic (2). Last evaluated 2026-03-31.

Conditions:
Hereditary spastic paraplegia 15 (SPG15). Also called: SPASTIC PARAPLEGIA AND RETINAL DEGENERATION; SPASTIC PARAPLEGIA 15, AUTOSOMAL RECESSIVE; KJELLIN SYNDROME. Identifiers: Orphanet 100996, MedGen C1849128, MONDO:0010044, OMIM 270700.
Spastic paraplegia. Identifiers: MedGen C0037772, HP:0001258.

Submissions (2):

Myriad Genetics, Inc.
Classification: Likely pathogenic for Hereditary spastic paraplegia 15. Last evaluated: 2026-03-31. Review status: criteria provided, single submitter. Criteria: Myriad Autosomal Dominant, Autosomal Recessive and X-Linked Classification Criteria (2023). Collection method: clinical testing. Allele origin: unknown.
Comment: NM_015346.3(ZFYVE26):c.273+1G>C is a variant in a canonical splice site classified as likely pathogenic in the context of spastic paraplegia type 15. c.273+1G>C has not been observed in cases with relevant disease. Relevant functional assessments of this variant are not available in the literature. c.273+1G>C has not been observed in referenced population frequency databases. In summary, NM_015346.3(ZFYVE26):c.273+1G>C is a variant in a canonical splice site in a gene where loss of function is a known mechanism of disease and is predicted to disrupt protein function. Please note: this variant was assessed in the context of healthy population screening.

Labcorp Genetics (formerly Invitae), Labcorp
Classification: Likely pathogenic for Spastic paraplegia. Last evaluated: 2025-05-24. Review status: criteria provided, single submitter. Criteria: Invitae Variant Classification Sherloc (09022015). Collection method: clinical testing. Allele origin: germline.
Comment: This sequence change affects a donor splice site in intron 3 of the ZFYVE26 gene. It is expected to disrupt RNA splicing. Variants that disrupt the donor or acceptor splice site typically lead to a loss of protein function (PMID: 16199547), and loss-of-function variants in ZFYVE26 are known to be pathogenic (PMID: 18394578, 19805727). This variant is not present in population databases (gnomAD no frequency). This variant has not been reported in the literature in individuals affected with ZFYVE26-related conditions. Algorithms developed to predict the effect of sequence changes on RNA splicing suggest that this variant may disrupt the consensus splice site. In summary, the currently available evidence indicates that the variant is pathogenic, but additional data are needed to prove that conclusively. Therefore, this variant has been classified as Likely Pathogenic.

Literature cited by the submitters: PubMed 16199547 (cited by Labcorp Genetics (formerly Invitae), Labcorp); PubMed 18394578 (cited by Labcorp Genetics (formerly Invitae), Labcorp); PubMed 19805727 (cited by Labcorp Genetics (formerly Invitae), Labcorp).

NM_015346.4(ZFYVE26):c.273+1G>C

Gene: ZFYVE26 (zinc finger FYVE-type containing 26; minus strand). Cytogenetic location: 14q24.1.
Variant type: single nucleotide variant.
Coding change: c.273+1G>C on transcript NM_015346.4 (MANE Select); the canonical splice donor site of the intron after coding-DNA position 273, G replaced by C.
Molecular consequence: splice donor variant.
Genome position (GRCh38, 1-based): chr14:67,813,985, C>G on the plus strand (G>C on the coding strand, the complement: ZFYVE26 is on the minus strand). VCF-style: chr14-67813985-C-G. GRCh37 (hg19) VCF-style: chr14-68280702-C-G.
Identifiers: ClinVar variation 4719800 (VCV004719800.2).